The following is an entry in ClinVar:

NM_000285.4(PEPD):c.1460C>T (p.Thr487Ile)

Gene: PEPD (peptidase D; minus strand). Cytogenetic location: 19q13.11.
Variant type: single nucleotide variant.
Coding change: c.1460C>T on transcript NM_000285.4 (MANE Select); coding-DNA position 1460, C replaced by T.
Protein change: p.Thr487Ile; replaces threonine 487 with isoleucine.
Molecular consequence: missense variant.
Genome position (GRCh38, 1-based): chr19:33,387,366, G>A on the plus strand (C>T on the coding strand, the complement: PEPD is on the minus strand). VCF-style: chr19-33387366-G-A. GRCh37 (hg19) VCF-style: chr19-33878272-G-A.
Other names: c.1337C>T, p.Thr446Ile (NM_001166056.2); c.1268C>T, p.Thr423Ile (NM_001166057.2); short protein forms T423I, T487I, T446I.
Identifiers: ClinVar variation 1510909 (VCV001510909.8), dbSNP rs1968096254, ClinGen allele CA405219348.
Genomic context (GRCh38, chr19:33,387,366, plus strand): 5'-GGCCAGGCCCCCAGGTGCGCTGGGATTTCTGGCTGGCTCTACTTGGGGCCAGAGAAGGGG[G>A]TAAAGGCCTTGTCACAGCCTGCCATGCATGCTTCAATCTCTTCCACAGTGCGGGGCACGC-3'
Protein context (NP_000276.2, residues 477-493): ACMAGCDKAF[Thr487Ile]PFSGPK

ClinVar aggregate classification (germline): Uncertain significance (1 of 4 stars; one submission).

Submission:

Labcorp Genetics (formerly Invitae), Labcorp
Classification: Uncertain significance. Last evaluated: 2021-06-05. Review status: criteria provided, single submitter. Criteria: Invitae Variant Classification Sherloc (09022015). Collection method: clinical testing. Allele origin: germline.
Comment: In summary, the available evidence is currently insufficient to determine the role of this variant in disease. Therefore, it has been classified as a Variant of Uncertain Significance. Algorithms developed to predict the effect of missense changes on protein structure and function (SIFT, PolyPhen-2, Align-GVGD) all suggest that this variant is likely to be tolerated, but these predictions have not been confirmed by published functional studies and their clinical significance is uncertain. This variant has not been reported in the literature in individuals with PEPD-related conditions. This variant is not present in population databases (ExAC no frequency). This sequence change replaces threonine with isoleucine at codon 487 of the PEPD protein (p.Thr487Ile). The threonine residue is weakly conserved and there is a moderate physicochemical difference between threonine and isoleucine.